The following is an entry in ClinVar:

ClinVar aggregate classification (germline): Likely benign (1 of 4 stars; one submission).

gnomAD v4.1: 2 of 1,200,639 alleles (0.00017%); highest among the groups gnomAD compares: Non-Finnish European, 0.00022%; no homozygotes.

Submission:

CeGaT Center for Human Genetics Tuebingen
Classification: Likely benign. Last evaluated: 2026-03-01. Review status: criteria provided, single submitter. Criteria: CeGaT Center For Human Genetics Tuebingen Variant Classification Criteria Version 2. Collection method: clinical testing. Allele origin: germline. Affected: yes. Observed: 1 variant allele.
Comment: ZMYM3: BP4, BP7

NM_201599.3(ZMYM3):c.1119T>G (p.Ser373=)

Gene: ZMYM3 (zinc finger MYM-type containing 3; minus strand). Cytogenetic location: Xq13.1.
Variant type: single nucleotide variant.
Coding change: c.1119T>G on transcript NM_201599.3 (MANE Select); coding-DNA position 1119, T replaced by G.
Protein change: p.Ser373=; no amino-acid change (serine 373 retained).
Molecular consequence: synonymous variant.
Genome position (GRCh38, 1-based): chrX:71,250,158, A>C on the plus strand (T>G on the coding strand, the complement: ZMYM3 is on the minus strand). VCF-style: chrX-71250158-A-C. GRCh37 (hg19) VCF-style: chrX-70470008-A-C.
Other names: c.1119T>G, p.Ser373= (NM_001171162.1, NM_001171163.1, NM_005096.3).
Identifiers: ClinVar variation 4822264 (VCV004822264.4).
Genomic context (GRCh38, chrX:71,250,158, plus strand): 5'-CTGCTGGGCCTCATACAGGGAGAGACAGACGGATGTGCAGAACTCATGGAAGGAGCCTCC[A>C]GAACCAGTCTGCGCCACAACCGAGTCCTTGGTGTTCCAGATCTCCCTAGAGGTGGGAACA-3'
Protein context (NP_963893.1, residues 363-383): TKDSVVAQTG[Ser373=]GGSFHEFCTS